The following is an entry in ClinVar:

ClinVar aggregate classification (germline): Pathogenic/Likely pathogenic. Review status: criteria provided, multiple submitters, no conflicts (2 of 4 stars). 3 submissions from 3 submitters: Pathogenic (2); Likely pathogenic (1). Last evaluated 2024-03-25.

Conditions:
COL4A4-related disorder.
Benign familial hematuria. Also called: thin basement membrane disease. Identifiers: MedGen C0241908, MONDO:0957317.

Submissions (3):

Blueprint Genetics
Classification: Pathogenic for COL4A4-related disorders. Last evaluated: 2024-03-25. Review status: criteria provided, single submitter. Criteria: ACMG Guidelines, 2015. Collection method: clinical testing. Allele origin: germline. Affected: yes. Observed: 4 variant alleles.

Labcorp Genetics (formerly Invitae), Labcorp
Classification: Pathogenic. Last evaluated: 2023-10-15. Review status: criteria provided, single submitter. Criteria: Invitae Variant Classification Sherloc (09022015). Collection method: clinical testing. Allele origin: germline.
Comment: This sequence change replaces glycine, which is neutral and non-polar, with arginine, which is basic and polar, at codon 912 of the COL4A4 protein (p.Gly912Arg). This variant is not present in population databases (gnomAD no frequency). This missense change has been observed in individuals with clinical features of Alport syndrome (Invitae). It has also been observed to segregate with disease in related individuals. ClinVar contains an entry for this variant (Variation ID: 1388462). Advanced modeling of protein sequence and biophysical properties (such as structural, functional, and spatial information, amino acid conservation, physicochemical variation, residue mobility, and thermodynamic stability) performed at Invitae indicates that this missense variant is expected to disrupt COL4A4 protein function. Algorithms developed to predict the effect of sequence changes on RNA splicing suggest that this variant may create or strengthen a splice site. For these reasons, this variant has been classified as Pathogenic.

Institute of Human Genetics Munich, TUM University Hospital
Classification: Likely pathogenic for Hematuria, benign familial, 1. Last evaluated: 2022-03-08. Review status: criteria provided, single submitter. Criteria: Classification criteria August 2017. Collection method: clinical testing. Allele origin: germline. Inheritance: Autosomal dominant inheritance. Affected: yes. Observed: 2 variant alleles.

NM_000092.5(COL4A4):c.2734G>C (p.Gly912Arg)

Gene: COL4A4 (collagen type IV alpha 4 chain; minus strand). Cytogenetic location: 2q36.3.
Variant type: single nucleotide variant.
Coding change: c.2734G>C on transcript NM_000092.5 (MANE Select); coding-DNA position 2734, G replaced by C.
Protein change: p.Gly912Arg; replaces glycine 912 with arginine.
Molecular consequence: missense variant.
Genome position (GRCh38, 1-based): chr2:227,054,720, C>G on the plus strand (G>C on the coding strand, the complement: COL4A4 is on the minus strand). VCF-style: chr2-227054720-C-G. GRCh37 (hg19) VCF-style: chr2-227919436-C-G.
Other names: short protein forms G912R.
Identifiers: ClinVar variation 1388462 (VCV001388462.10), dbSNP rs1553640846, ClinGen allele CA350840364.
Genomic context (GRCh38, chr2:227,054,720, plus strand): 5'-TTGCGCCAGGACATCCCTCTGCACCAGGCTTTCCTCTTTCTCCGGGAAAACCTGGGAAAC[C>G]AGGCAGCCCCCGGGGTCCTGGTGAAATGAGAGCATAAAGTTTTAGGAAAATATTTTATTT-3'
Protein context (NP_000083.3, residues 902-922): PGPKGPRGLP[Gly912Arg]FPGFPGERGK